The following is an entry in ClinVar:

ClinVar aggregate classification (germline): Uncertain significance. Review status: criteria provided, multiple submitters, no conflicts (2 of 4 stars). 2 submissions from 2 submitters: Uncertain significance (2). Last evaluated 2026-06-11.

Allele frequency attached by ClinVar (database versions not stated): TOPMed 0.00003; 1000 Genomes Project 30x 0.00031; ExAC 0.00003; 1000 Genomes Project 0.00020; gnomAD 0.00003; ESP Exome Variant Server 0.00008.
gnomAD v4.1: 264 of 1,580,474 alleles (0.017%); highest among the groups gnomAD compares: Non-Finnish European, 0.021%; no homozygotes.

Submissions (2):

GeneDx
Classification: Uncertain significance. Last evaluated: 2026-06-11. Review status: criteria provided, single submitter. Criteria: GeneDx Variant Classification Process June 2021. Collection method: clinical testing. Allele origin: germline.
Comment: Not observed at significant frequency in large population cohorts (gnomAD); In silico analysis supports that this missense variant has a deleterious effect on protein structure/function; Has not been previously published as pathogenic or benign to our knowledge

Ambry Genetics
Classification: Uncertain significance. Last evaluated: 2021-09-16. Review status: criteria provided, single submitter. Criteria: Ambry Variant Classification Scheme 2023. Collection method: clinical testing. Allele origin: germline.

NM_020117.11(LARS1):c.191C>T (p.Thr64Met)

Gene: LARS1 (leucyl-tRNA synthetase 1; minus strand). Cytogenetic location: 5q32.
Variant type: single nucleotide variant.
Coding change: c.191C>T on transcript NM_020117.11 (MANE Select); coding-DNA position 191, C replaced by T.
Protein change: p.Thr64Met; replaces threonine 64 with methionine.
Molecular consequence: missense variant.
Genome position (GRCh38, 1-based): chr5:146,172,709, G>A on the plus strand (C>T on the coding strand, the complement: LARS1 is on the minus strand). VCF-style: chr5-146172709-G-A. GRCh37 (hg19) VCF-style: chr5-145552272-G-A.
Other names: c.191C>T, p.Thr64Met (NM_001317964.2, NM_016460.4); c.29C>T, p.Thr10Met (NM_001317965.2); short protein forms T10M, T64M.
Identifiers: ClinVar variation 3117889 (VCV003117889.3), dbSNP rs370188134, ClinGen allele CA3490012.